The following is an entry in ClinVar:

ClinVar aggregate classification (germline): Uncertain significance (1 of 4 stars; one submission).

Submission:

GeneDx
Classification: Uncertain significance. Last evaluated: 2024-06-13. Review status: criteria provided, single submitter. Criteria: GeneDx Variant Classification Process June 2021. Collection method: clinical testing. Allele origin: germline. Affected: yes.
Comment: Not observed at significant frequency in large population cohorts (gnomAD); In silico analysis supports that this missense variant has a deleterious effect on protein structure/function; Has not been previously published as pathogenic or benign to our knowledge

NM_017852.5(NLRP2):c.1238A>C (p.Glu413Ala)

Gene: NLRP2 (NLR family pyrin domain containing 2; plus strand). Cytogenetic location: 19q13.42.
Variant type: single nucleotide variant.
Coding change: c.1238A>C on transcript NM_017852.5 (MANE Select); coding-DNA position 1238, A replaced by C.
Protein change: p.Glu413Ala; replaces glutamic acid 413 with alanine.
Molecular consequence: missense variant. On other transcripts: non-coding transcript variant (1).
Genome position (GRCh38, 1-based): chr19:54,982,936, A>C. VCF-style: chr19-54982936-A-C. GRCh37 (hg19) VCF-style: chr19-55494304-A-C.
Other names: c.1238A>C, p.Glu413Ala (NM_001174081.3); c.1172A>C, p.Glu391Ala (NM_001174082.3); c.1169A>C, p.Glu390Ala (NM_001174083.2); c.1229A>C, p.Glu410Ala (NM_001348003.2); short protein forms E390A, E391A, E410A, E413A.
Identifiers: ClinVar variation 3390428 (VCV003390428.1).